The following is an entry in ClinVar:

NM_021922.3(FANCE):c.1112G>A (p.Arg371Gln)

Gene: FANCE (FA complementation group E; plus strand). Cytogenetic location: 6p21.31.
Variant type: single nucleotide variant.
Coding change: c.1112G>A on transcript NM_021922.3 (MANE Select); coding-DNA position 1112, G replaced by A.
Protein change: p.Arg371Gln; replaces arginine 371 with glutamine.
Molecular consequence: missense variant.
Genome position (GRCh38, 1-based): chr6:35,458,439, G>A. VCF-style: chr6-35458439-G-A. GRCh37 (hg19) VCF-style: chr6-35426216-G-A.
Other names: short protein forms R371Q.
Identifiers: ClinVar variation 940492 (VCV000940492.9), dbSNP rs1351881430, ClinGen allele CA363775522.

ClinVar aggregate classification (germline): Uncertain significance (1 of 4 stars; one submission).

Conditions:
Fanconi anemia complementation group E (FANCE). Also called: FANCE-Related Fanconi Anemia. Identifiers: Orphanet 84, MedGen C3160739, MONDO:0010953, OMIM 600901.

Allele frequency attached by ClinVar (database versions not stated): gnomAD 0.00001; gnomAD exomes 0.00001 and 0.00005; TOPMed 0.00002.

Submission:

Labcorp Genetics (formerly Invitae), Labcorp
Classification: Uncertain significance for Fanconi anemia complementation group E. Last evaluated: 2024-07-10. Review status: criteria provided, single submitter. Criteria: Invitae Variant Classification Sherloc (09022015). Collection method: clinical testing. Allele origin: germline.
Comment: This sequence change replaces arginine, which is basic and polar, with glutamine, which is neutral and polar, at codon 371 of the FANCE protein (p.Arg371Gln). This variant is present in population databases (no rsID available, gnomAD 0.002%). This variant has not been reported in the literature in individuals affected with FANCE-related conditions. ClinVar contains an entry for this variant (Variation ID: 940492). An algorithm developed to predict the effect of missense changes on protein structure and function outputs the following: PolyPhen-2: "Probably Damaging". The glutamine amino acid residue is found in multiple mammalian species, which suggests that this missense change does not adversely affect protein function. In summary, the available evidence is currently insufficient to determine the role of this variant in disease. Therefore, it has been classified as a Variant of Uncertain Significance.